The following is an entry in ClinVar:

ClinVar aggregate classification (germline): Uncertain significance. Review status: criteria provided, multiple submitters, no conflicts (2 of 4 stars). 2 submissions from 2 submitters: Uncertain significance (2). Last evaluated 2024-07-07.

Conditions:
Immunodeficiency 60. Also called: IMMUNODEFICIENCY AND AUTOIMMUNITY, BACH2-RELATED; IMMUNODEFICIENCY 60 AND AUTOIMMUNITY. Identifiers: MedGen C5193072, MONDO:0032723, OMIM 618394.

gnomAD v4.1: 9 of 1,614,094 alleles (0.00056%); highest among the groups gnomAD compares: East Asian, 0.0022%; no homozygotes.

Submissions (2):

Laboratorio de Genetica e Diagnostico Molecular, Hospital Israelita Albert Einstein
Classification: Uncertain significance for Immunodeficiency 60. Last evaluated: 2024-07-07. Review status: criteria provided, single submitter. Criteria: ACMG Guidelines, 2015. Collection method: clinical testing. Allele origin: germline. Affected: yes.
Comment: ACMG classification criteria: PM2 supporting, BP4 supporting

Labcorp Genetics (formerly Invitae), Labcorp
Classification: Uncertain significance. Last evaluated: 2024-07-06. Review status: criteria provided, single submitter. Criteria: Invitae Variant Classification Sherloc (09022015). Collection method: clinical testing. Allele origin: germline.
Comment: This sequence change replaces alanine, which is neutral and non-polar, with valine, which is neutral and non-polar, at codon 148 of the BACH2 protein (p.Ala148Val). This variant is not present in population databases (gnomAD no frequency). This variant has not been reported in the literature in individuals affected with BACH2-related conditions. Advanced modeling of protein sequence and biophysical properties (such as structural, functional, and spatial information, amino acid conservation, physicochemical variation, residue mobility, and thermodynamic stability) performed at Invitae indicates that this missense variant is not expected to disrupt BACH2 protein function with a negative predictive value of 80%. In summary, the available evidence is currently insufficient to determine the role of this variant in disease. Therefore, it has been classified as a Variant of Uncertain Significance.

NM_021813.4(BACH2):c.443C>T (p.Ala148Val)

Gene: BACH2 (BACH transcriptional regulator 2; minus strand). Cytogenetic location: 6q15.
Variant type: single nucleotide variant.
Coding change: c.443C>T on transcript NM_021813.4 (MANE Select); coding-DNA position 443, C replaced by T.
Protein change: p.Ala148Val; replaces alanine 148 with valine.
Molecular consequence: missense variant.
Genome position (GRCh38, 1-based): chr6:89,951,663, G>A on the plus strand (C>T on the coding strand, the complement: BACH2 is on the minus strand). VCF-style: chr6-89951663-G-A. GRCh37 (hg19) VCF-style: chr6-90661382-G-A.
Other names: c.443C>T, p.Ala148Val (NM_001170794.2); short protein forms A148V.
Identifiers: ClinVar variation 3658933 (VCV003658933.3).